The following is an entry in ClinVar:

ClinVar aggregate classification (germline): Uncertain significance (1 of 4 stars; one submission).

Conditions:
Familial cold autoinflammatory syndrome 2 (FCAS2). Identifiers: Orphanet 247868, MedGen C2673198, MONDO:0012724, OMIM 611762.

Submission:

Labcorp Genetics (formerly Invitae), Labcorp
Classification: Uncertain significance for Familial cold autoinflammatory syndrome 2. Last evaluated: 2022-02-12. Review status: criteria provided, single submitter. Criteria: Invitae Variant Classification Sherloc (09022015). Collection method: clinical testing. Allele origin: germline.
Comment: This sequence change replaces glutamic acid, which is acidic and polar, with valine, which is neutral and non-polar, at codon 21 of the NLRP12 protein (p.Glu21Val). This variant is not present in population databases (gnomAD no frequency). This variant has not been reported in the literature in individuals affected with NLRP12-related conditions. Algorithms developed to predict the effect of missense changes on protein structure and function are either unavailable or do not agree on the potential impact of this missense change (SIFT: "Deleterious"; PolyPhen-2: "Probably Damaging"; Align-GVGD: "Class C0"). In summary, the available evidence is currently insufficient to determine the role of this variant in disease. Therefore, it has been classified as a Variant of Uncertain Significance.

NM_144687.4(NLRP12):c.62A>T (p.Glu21Val)

Gene: NLRP12 (NLR family pyrin domain containing 12; minus strand). Cytogenetic location: 19q13.42.
Variant type: single nucleotide variant.
Coding change: c.62A>T on transcript NM_144687.4 (MANE Select); coding-DNA position 62, A replaced by T.
Protein change: p.Glu21Val; replaces glutamic acid 21 with valine.
Molecular consequence: missense variant.
Genome position (GRCh38, 1-based): chr19:53,824,113, T>A on the plus strand (A>T on the coding strand, the complement: NLRP12 is on the minus strand). VCF-style: chr19-53824113-T-A. GRCh37 (hg19) VCF-style: chr19-54327367-T-A.
Other names: c.62A>T, p.Glu21Val (NM_001277126.2, NM_001277129.1); short protein forms E21V.
Identifiers: ClinVar variation 2097348 (VCV002097348.4), dbSNP rs2092308397, ClinGen allele CA407419414.